The following is an entry in ClinVar:

ClinVar aggregate classification (germline): Uncertain significance. Review status: criteria provided, multiple submitters, no conflicts (2 of 4 stars). 2 submissions from 2 submitters: Uncertain significance (2). Last evaluated 2026-06-24.

Conditions:
Inborn genetic diseases. Identifiers: MedGen C0950123, MeSH D030342.
Symmetrical dyschromatosis of extremities (DSH). Also called: DYSCHROMATOSIS SYMMETRICA HEREDITARIA 1; RETICULATE ACROPIGMENTATION OF DOHI; SYMMETRIC DYSCHROMATOSIS OF THE EXTREMITIES; Dyschromatosis symmetrica hereditaria. Identifiers: Orphanet 41, MedGen C0406775, MONDO:0007483, OMIM 127400.
Aicardi-Goutieres syndrome 6 (AGS6). Identifiers: Orphanet 51, MedGen C3539013, MONDO:0014007, OMIM 615010.

Allele frequency attached by ClinVar (database versions not stated): TOPMed 0.00001; gnomAD exomes below 0.00001.
gnomAD v4.1: 1 of 1,612,624 alleles (0.000062%); highest among the groups gnomAD compares: Non-Finnish European, 0.000085%; no homozygotes.

Submissions (2):

Ambry Genetics
Classification: Uncertain significance for Inborn genetic diseases. Last evaluated: 2026-06-24. Review status: criteria provided, single submitter. Criteria: Ambry Variant Classification Scheme 2023. Collection method: clinical testing. Allele origin: germline.

Labcorp Genetics (formerly Invitae), Labcorp
Classification: Uncertain significance for Aicardi-Goutieres syndrome 6; Symmetrical dyschromatosis of extremities. Last evaluated: 2023-12-09. Review status: criteria provided, single submitter. Criteria: Invitae Variant Classification Sherloc (09022015). Collection method: clinical testing. Allele origin: germline.
Comment: This sequence change replaces isoleucine, which is neutral and non-polar, with threonine, which is neutral and polar, at codon 352 of the ADAR protein (p.Ile352Thr). This variant is not present in population databases (gnomAD no frequency). This variant has not been reported in the literature in individuals affected with ADAR-related conditions. ClinVar contains an entry for this variant (Variation ID: 2172518). Advanced modeling of protein sequence and biophysical properties (such as structural, functional, and spatial information, amino acid conservation, physicochemical variation, residue mobility, and thermodynamic stability) performed at Invitae indicates that this missense variant is not expected to disrupt ADAR protein function with a negative predictive value of 80%. In summary, the available evidence is currently insufficient to determine the role of this variant in disease. Therefore, it has been classified as a Variant of Uncertain Significance.

NM_001111.5(ADAR):c.1055T>C (p.Ile352Thr)

Gene: ADAR (adenosine deaminase RNA specific; minus strand). Cytogenetic location: 1q21.3.
Variant type: single nucleotide variant.
Coding change: c.1055T>C on transcript NM_001111.5 (MANE Select); coding-DNA position 1055, T replaced by C.
Protein change: p.Ile352Thr; replaces isoleucine 352 with threonine.
Molecular consequence: missense variant.
Genome position (GRCh38, 1-based): chr1:154,601,587, A>G on the plus strand (T>C on the coding strand, the complement: ADAR is on the minus strand). VCF-style: chr1-154601587-A-G. GRCh37 (hg19) VCF-style: chr1-154574063-A-G.
Other names: c.170T>C, p.Ile57Thr (NM_001025107.3, NM_001193495.2, NM_001365046.1 and 3 more transcripts); c.1082T>C, p.Ile361Thr (NM_001365045.1); c.1055T>C (NM_001111.4); c.1055T>C, p.Ile352Thr (NM_015840.4, NM_015841.4); short protein forms I352T, I361T, I57T.
Identifiers: ClinVar variation 2172518 (VCV002172518.5), dbSNP rs977771584, ClinGen allele CA30810103.
Genomic context (GRCh38, chr1:154,601,587, plus strand): 5'-ACACTGTTCGTATTTCTCTTGATTTGCATCCTCTCTCGCTTCTTGTCTGTCAAATGCCAT[A>G]TGGGAGGGGTTGTCCCTTGTCTATAGACATCCCCCTGCCTTTCCATGTCAATTAGCACAG-3'
Protein context (NP_001102.3, residues 342-362): DVYRQGTTPP[Ile352Thr]WHLTDKKRER